The following is an entry in ClinVar:

NM_000051.4(ATM):c.8788T>A (p.Cys2930Ser)

Genes: ATM (ATM serine/threonine kinase; plus strand), C11orf65 (chromosome 11 open reading frame 65; minus strand). Cytogenetic location: 11q22.3.
Variant type: single nucleotide variant.
Coding change: c.8788T>A on transcript NM_000051.4 (MANE Select); coding-DNA position 8788, T replaced by A.
Protein change: p.Cys2930Ser; replaces cysteine 2930 with serine.
Molecular consequence: missense variant. On other transcripts: intron variant (2).
Genome position (GRCh38, 1-based): chr11:108,354,812, T>A. VCF-style: chr11-108354812-T-A. GRCh37 (hg19) VCF-style: chr11-108225539-T-A.
Other names: c.8788T>A, p.Cys2930Ser (NM_001351834.2); c.640+31108A>T (NM_001330368.2); c.695-19520A>T (NM_001351110.2); short protein forms C2930S.
Identifiers: ClinVar variation 4825509 (VCV004825509.1).

ClinVar aggregate classification (germline): Uncertain significance (1 of 4 stars; one submission).

Conditions:
Hereditary cancer-predisposing syndrome. Also called: Tumor predisposition; Hereditary neoplastic syndrome; Hereditary Cancer Syndrome; Neoplastic Syndromes, Hereditary. Identifiers: Orphanet 140162, MedGen C0027672, MeSH D009386, MONDO:0015356.

Submission:

Ambry Genetics
Classification: Uncertain significance for Hereditary cancer-predisposing syndrome. Last evaluated: 2026-01-26. Review status: criteria provided, single submitter. Criteria: Ambry Variant Classification Scheme 2023. Collection method: clinical testing. Allele origin: germline.
Comment: The p.C2930S variant (also known as c.8788T>A), located in coding exon 60 of the ATM gene, results from a T to A substitution at nucleotide position 8788. The cysteine at codon 2930 is replaced by serine, an amino acid with dissimilar properties. In an assay testing ATM function, this variant showed a functionally abnormal result (Lee KS et al. Cell, 2025 Sep;188:5081-5099.e27). This amino acid position is highly conserved in available vertebrate species. In addition, this alteration is predicted to be deleterious by in silico analysis. Based on the available evidence, the clinical significance of this variant remains unclear.

Literature cited by the submitters: PubMed 40580951.